The following is an entry in ClinVar:

ClinVar aggregate classification (germline): Uncertain significance (1 of 4 stars; one submission).

Conditions:
Hereditary cancer-predisposing syndrome. Also called: Hereditary Cancer Syndrome; Hereditary neoplastic syndrome; Neoplastic Syndromes, Hereditary; Tumor predisposition. Identifiers: Orphanet 140162, MedGen C0027672, MeSH D009386, MONDO:0015356.

Submission:

Ambry Genetics
Classification: Uncertain significance for Hereditary cancer-predisposing syndrome. Last evaluated: 2022-07-11. Review status: criteria provided, single submitter. Criteria: Ambry Variant Classification Scheme 2023. Collection method: clinical testing. Allele origin: germline.
Comment: The p.S462W variant (also known as c.1385C>G), located in coding exon 7 of the RET gene, results from a C to G substitution at nucleotide position 1385. The serine at codon 462 is replaced by tryptophan, an amino acid with highly dissimilar properties. This amino acid position is conserved. In addition, this alteration is predicted to be tolerated by in silico analysis. Since supporting evidence is limited at this time, the clinical significance of this alteration remains unclear.

NM_020975.6(RET):c.1385C>G (p.Ser462Trp)

Gene: RET (ret proto-oncogene; plus strand). Cytogenetic location: 10q11.21.
Variant type: single nucleotide variant.
Coding change: c.1385C>G on transcript NM_020975.6 (MANE Select); coding-DNA position 1385, C replaced by G.
Protein change: p.Ser462Trp; replaces serine 462 with tryptophan.
Molecular consequence: missense variant.
Genome position (GRCh38, 1-based): chr10:43,111,328, C>G. VCF-style: chr10-43111328-C-G. GRCh37 (hg19) VCF-style: chr10-43606776-C-G.
Other names: c.1385C>G, p.Ser462Trp (NM_000323.2, NM_001406743.1, NM_001406744.1 and 6 more transcripts); c.623C>G, p.Ser208Trp (NM_001355216.2); c.1256C>G, p.Ser419Trp (NM_001406761.1, NM_001406762.1, NM_001406764.1 and 1 more transcripts); c.1097C>G, p.Ser366Trp (NM_001406766.1, NM_001406767.1, NM_001406770.1); c.989C>G, p.Ser330Trp (NM_001406769.1, NM_001406772.1); c.947C>G, p.Ser316Trp (NM_001406771.1, NM_001406773.1); c.860C>G, p.Ser287Trp (NM_001406774.1); c.659C>G, p.Ser220Trp (NM_001406775.1, NM_001406776.1, NM_001406777.1 and 1 more transcripts); and 1 more; short protein forms S132W, S220W, S330W, S419W, S287W, S208W, S316W, S366W.
Identifiers: ClinVar variation 1771376 (VCV001771376.2), dbSNP rs1313331250, ClinGen allele CA376549334.
Genomic context (GRCh38, chr10:43,111,328, plus strand): 5'-TGCATTCCTCTGGTGCCAACTGCAGCACGCTAGGGGTGGTCACCTCAGCCGAGGACACCT[C>G]GGGGATCCTGTTTGTGAATGACACCAAGGCCCTGCGGCGGCCCAAGTGTGCCGAACTTCA-3'
Protein context (NP_066124.1, residues 452-472): LGVVTSAEDT[Ser462Trp]GILFVNDTKA